The following is an entry in ClinVar:

ClinVar aggregate classification (germline): Likely benign (0 of 4 stars; one submission).

Conditions:
SEMA3G-related disorder. Also called: SEMA3G-related condition.

Submission:

PreventionGenetics, part of Exact Sciences
Classification: Likely benign for SEMA3G-related condition. Last evaluated: 2021-07-01. Review status: no assertion criteria provided. Collection method: clinical testing. Allele origin: germline.
Comment: This variant is classified as likely benign based on ACMG/AMP sequence variant interpretation guidelines (Richards et al. 2015 PMID: 25741868, with internal and published modifications).

NM_020163.3(SEMA3G):c.1879-9G>A

Gene: SEMA3G (semaphorin 3G; minus strand). Cytogenetic location: 3p21.1.
Variant type: single nucleotide variant.
Coding change: c.1879-9G>A on transcript NM_020163.3 (MANE Select); 9 bases into the intron before coding-DNA position 1879, G replaced by A.
Molecular consequence: intron variant.
Genome position (GRCh38, 1-based): chr3:52,436,082, C>T on the plus strand (G>A on the coding strand, the complement: SEMA3G is on the minus strand). VCF-style: chr3-52436082-C-T. GRCh37 (hg19) VCF-style: chr3-52470098-C-T.
Identifiers: ClinVar variation 3351158 (VCV003351158.1).
Genomic context (GRCh38, chr3:52,436,082, plus strand): 5'-TGCGGAACAGCAGCCCCCGCTCCGTGTGCAAGACTCGCTCGTCCGTCTTCACCTGCCATG[C>T]GGGCGGGAGGGCGTGAGTAGGGTGCAAGGTGGGAGTTTACCATCGGCTTCTCTGCCCCAG-3'